The following is an entry in ClinVar:

ClinVar aggregate classification (germline): Uncertain significance. Review status: criteria provided, multiple submitters, no conflicts (2 of 4 stars). 2 submissions from 2 submitters: Uncertain significance (2). Last evaluated 2023-05-18.

Conditions:
Hereditary cancer-predisposing syndrome. Also called: Hereditary neoplastic syndrome; Neoplastic Syndromes, Hereditary; Hereditary Cancer Syndrome; Tumor predisposition. Identifiers: Orphanet 140162, MedGen C0027672, MeSH D009386, MONDO:0015356.
Microcephaly, normal intelligence and immunodeficiency (NBS). Also called: SEEMANOVA SYNDROME II; IMMUNODEFICIENCY, MICROCEPHALY, AND CHROMOSOMAL INSTABILITY; Immunodeficiency, microcephaly with normal intelligence; BERLIN BREAKAGE SYNDROME; Nijmegen breakage syndrome; Microcephaly with normal intelligence immunodeficiency and lymphoreticular malignancies. Identifiers: Orphanet 647, MedGen C0398791, MONDO:0009623, OMIM 251260.

Allele frequency attached by ClinVar (database versions not stated): gnomAD exomes below 0.00001.
gnomAD v4.1: 1 of 1,581,512 alleles (0.000063%); highest among the groups gnomAD compares: African/African-American, 0.0013%; no homozygotes.

Submissions (2):

Ambry Genetics
Classification: Uncertain significance for Hereditary cancer-predisposing syndrome. Last evaluated: 2023-05-18. Review status: criteria provided, single submitter. Criteria: Ambry Variant Classification Scheme 2023. Collection method: clinical testing. Allele origin: germline.
Comment: The p.N640K variant (also known as c.1920T>A), located in coding exon 13 of the NBN gene, results from a T to A substitution at nucleotide position 1920. The asparagine at codon 640 is replaced by lysine, an amino acid with similar properties. This amino acid position is not well conserved in available vertebrate species, and lysine is the reference amino acid in other vertebrate species. In addition, this alteration is predicted to be tolerated by in silico analysis. Since supporting evidence is limited at this time, the clinical significance of this alteration remains unclear.

Labcorp Genetics (formerly Invitae), Labcorp
Classification: Uncertain significance for Microcephaly, normal intelligence and immunodeficiency. Last evaluated: 2022-03-23. Review status: criteria provided, single submitter. Criteria: Invitae Variant Classification Sherloc (09022015). Collection method: clinical testing. Allele origin: germline.
Comment: In summary, the available evidence is currently insufficient to determine the role of this variant in disease. Therefore, it has been classified as a Variant of Uncertain Significance. Algorithms developed to predict the effect of missense changes on protein structure and function output the following: SIFT: "Tolerated"; PolyPhen-2: "Benign"; Align-GVGD: "Class C0". The lysine amino acid residue is found in multiple mammalian species, which suggests that this missense change does not adversely affect protein function. This variant has not been reported in the literature in individuals affected with NBN-related conditions. This variant is not present in population databases (gnomAD no frequency). This sequence change replaces asparagine, which is neutral and polar, with lysine, which is basic and polar, at codon 640 of the NBN protein (p.Asn640Lys).

NM_002485.5(NBN):c.1920T>A (p.Asn640Lys)

Gene: NBN (nibrin; minus strand). Cytogenetic location: 8q21.3.
Variant type: single nucleotide variant.
Coding change: c.1920T>A on transcript NM_002485.5 (MANE Select); coding-DNA position 1920, T replaced by A.
Protein change: p.Asn640Lys; replaces asparagine 640 with lysine.
Molecular consequence: missense variant.
Genome position (GRCh38, 1-based): chr8:89,946,290, A>T on the plus strand (T>A on the coding strand, the complement: NBN is on the minus strand). VCF-style: chr8-89946290-A-T. GRCh37 (hg19) VCF-style: chr8-90958518-A-T.
Other names: c.1674T>A, p.Asn558Lys (NM_001024688.3); short protein forms N558K, N640K.
Identifiers: ClinVar variation 1393978 (VCV001393978.10), dbSNP rs1554556602, ClinGen allele CA371676803.